The following is an entry in ClinVar:

NM_002778.4(PSAP):c.*9A>G

Gene: PSAP (prosaposin; minus strand). Cytogenetic location: 10q22.1.
Variant type: single nucleotide variant.
Coding change: c.*9A>G on transcript NM_002778.4 (MANE Select); 9 bases downstream of the stop codon, A replaced by G.
Molecular consequence: 3 prime UTR variant.
Genome position (GRCh38, 1-based): chr10:71,817,432, T>C on the plus strand (A>G on the coding strand, the complement: PSAP is on the minus strand). VCF-style: chr10-71817432-T-C. GRCh37 (hg19) VCF-style: chr10-73577189-T-C.
Other names: c.*9A>G (NM_001042465.3, NM_001042466.3).
Identifiers: ClinVar variation 300506 (VCV000300506.5), dbSNP rs376628499, ClinGen allele CA5547287.

ClinVar aggregate classification (germline): Conflicting classifications of pathogenicity. Review status: criteria provided, conflicting classifications (1 of 4 stars). 4 submissions from 1 submitter: Uncertain significance (3); Benign (1). Last evaluated 2018-01-12.

Conditions:
Combined PSAP deficiency (PSAPD). Also called: COMBINED SAP DEFICIENCY; PROSAPOSIN DEFICIENCY; Encephalopathy due to prosaposin deficiency. Identifiers: Orphanet 139406, MedGen C2673635, MONDO:0012719, OMIM 611721.
Krabbe disease due to saposin A deficiency. Also called: Saposin A Deficiency; KRABBE DISEASE, ATYPICAL, DUE TO SAPOSIN A DEFICIENCY. Identifiers: Orphanet 487, MedGen C2673266, MONDO:0012720, OMIM 611722.
Gaucher disease due to saposin C deficiency. Also called: Atypical Gaucher disease due to saposin C deficiency; Saposin C Deficiency. Identifiers: Orphanet 309252, Orphanet 355, MedGen C1864651, MONDO:0012517, OMIM 610539.
Sphingolipid activator protein 1 deficiency. Also called: Saposin B Deficiency; METACHROMATIC LEUKODYSTROPHY DUE TO CEREBROSIDE SULFATASE ACTIVATOR DEFICIENCY; Metachromatic leukodystrophy due to saposin B deficiency. Identifiers: Orphanet 512, MedGen C0268262, MONDO:0009590, OMIM 249900.

Allele frequency attached by ClinVar (database versions not stated): gnomAD exomes 0.00001 and 0.00002; ExAC 0.00002; gnomAD 0.00006 and 0.00007; TOPMed 0.00007; ESP Exome Variant Server 0.00015.
gnomAD v4.1: 18 of 1,614,032 alleles (0.0011%); highest among the groups gnomAD compares: African/African-American, 0.023%; no homozygotes.

Submissions (4):

Illumina Laboratory Services, Illumina
Classification: Uncertain significance for Combined PSAP deficiency. Last evaluated: 2018-01-12. Review status: criteria provided, single submitter. Criteria: ICSL Variant Classification Criteria 13 December 2019. Collection method: clinical testing. Allele origin: germline.

Illumina Laboratory Services, Illumina
Classification: Benign for Gaucher disease due to saposin C deficiency. Last evaluated: 2018-01-12. Review status: criteria provided, single submitter. Criteria: ICSL Variant Classification Criteria 13 December 2019. Collection method: clinical testing. Allele origin: germline.
Comment: This variant was observed in the ICSL laboratory as part of a predisposition screen in an ostensibly healthy population. It had not been previously curated by ICSL or reported in the Human Gene Mutation Database (HGMD: prior to June 1st, 2018), and was therefore a candidate for classification through an automated scoring system. Utilizing variant allele frequency, disease prevalence and penetrance estimates, and inheritance mode, an automated score was calculated to assess if this variant is too frequent to cause the disease. Based on the score and internal cut-off values, a variant classified as benign is not then subjected to further curation. The score for this variant resulted in a classification of benign for this disease.

Illumina Laboratory Services, Illumina
Classification: Uncertain significance for Sphingolipid activator protein 1 deficiency. Last evaluated: 2018-01-12. Review status: criteria provided, single submitter. Criteria: ICSL Variant Classification Criteria 13 December 2019. Collection method: clinical testing. Allele origin: germline.

Illumina Laboratory Services, Illumina
Classification: Uncertain significance for Krabbe disease due to saposin A deficiency. Last evaluated: 2018-01-12. Review status: criteria provided, single submitter. Criteria: ICSL Variant Classification Criteria 13 December 2019. Collection method: clinical testing. Allele origin: germline.